The following is an entry in ClinVar:

NM_018451.5(CPAP):c.3477+9A>G

Genes: CPAP (centrosome assembly and centriole elongation protein; minus strand), RNF17 (ring finger protein 17; plus strand). Cytogenetic location: 13q12.12.
Variant type: single nucleotide variant.
Coding change: c.3477+9A>G on transcript NM_018451.5 (MANE Select); 9 bases into the intron after coding-DNA position 3477, A replaced by G.
Molecular consequence: intron variant.
Genome position (GRCh38, 1-based): chr13:24,885,267, T>C on the plus strand (A>G on the coding strand, the complement: CPAP is on the minus strand). VCF-style: chr13-24885267-T-C. GRCh37 (hg19) VCF-style: chr13-25459405-T-C.
Identifiers: ClinVar variation 515121 (VCV000515121.1), dbSNP rs751091603, ClinGen allele CA6919277.

ClinVar aggregate classification (germline): Likely benign (1 of 4 stars; one submission).

Allele frequency attached by ClinVar (database versions not stated): TOPMed below 0.00001; gnomAD exomes 0.00001 and 0.00004; ExAC 0.00006.
gnomAD v4.1: 15 of 1,538,068 alleles (0.00098%); highest among the groups gnomAD compares: South Asian, 0.016%; no homozygotes.

Submission:

GeneDx
Classification: Likely benign. Last evaluated: 2018-02-05. Review status: criteria provided, single submitter. Criteria: GeneDx Variant Classification (06012015). Collection method: clinical testing. Allele origin: germline. Affected: yes.
Comment: This variant is considered likely benign or benign based on one or more of the following criteria: it is a conservative change, it occurs at a poorly conserved position in the protein, it is predicted to be benign by multiple in silico algorithms, and/or has population frequency not consistent with disease.